The following is an entry in ClinVar:

ClinVar aggregate classification (germline): Uncertain significance. Review status: criteria provided, single submitter (1 of 4 stars). 2 submissions from 2 submitters: Uncertain significance (1). 1 of the submissions does not count toward it. Last evaluated 2023-03-11.

Conditions:
GPC4-related disorder. Also called: GPC4-related condition.

Allele frequency attached by ClinVar (database versions not stated): gnomAD exomes below 0.00001.
gnomAD v4.1: 2 of 1,210,529 alleles (0.00017%); highest among the groups gnomAD compares: Non-Finnish European, 0.00011%; no homozygotes.

Submissions (3):

GeneDx
Classification: Uncertain significance. Last evaluated: 2023-03-11. Review status: criteria provided, single submitter. Criteria: GeneDx Variant Classification Process June 2021. Collection method: clinical testing. Allele origin: germline. Affected: yes.
Comment: Not observed at significant frequency in large population cohorts (gnomAD); In silico analysis supports that this missense variant does not alter protein structure/function; Has not been previously published as pathogenic or benign to our knowledge

PreventionGenetics, part of Exact Sciences
Classification: Uncertain significance for GPC4-related condition. Last evaluated: 2024-03-26. Review status: no assertion criteria provided. Collection method: clinical testing. Allele origin: germline. Not counted in ClinVar's aggregate classification.
Comment: The GPC4 c.1352A>G variant is predicted to result in the amino acid substitution p.Gln451Arg. To our knowledge, this variant has not been reported in the literature. This variant is reported in 0.013% of alleles in individuals of Ashkenazi Jewish descent in gnomAD. At this time, the clinical significance of this variant is uncertain due to the absence of conclusive functional and genetic evidence.

Dr. Peter K. Rogan Lab, Western University
No classification provided (evidence only). Condition: Nonpapillary renal cell carcinoma. Review status: no classification provided. Collection method: in vitro. Allele origin: not applicable. Functional consequence: retained intron. Not counted in ClinVar's aggregate classification.

NM_001448.3(GPC4):c.1352A>G (p.Gln451Arg)

Gene: GPC4 (glypican 4; minus strand). Cytogenetic location: Xq26.2.
Variant type: single nucleotide variant.
Coding change: c.1352A>G on transcript NM_001448.3 (MANE Select); coding-DNA position 1352, A replaced by G.
Protein change: p.Gln451Arg; replaces glutamine 451 with arginine.
Molecular consequence: missense variant.
Genome position (GRCh38, 1-based): chrX:133,303,282, T>C on the plus strand (A>G on the coding strand, the complement: GPC4 is on the minus strand). VCF-style: chrX-133303282-T-C. GRCh37 (hg19) VCF-style: chrX-132437310-T-C.
Other names: NC_000023.10:g.132437310T>C; short protein forms Q451R.
Identifiers: ClinVar variation 2579755 (VCV002579755.3), dbSNP rs1334272349, ClinGen allele CA414691334.